The following is an entry in ClinVar:

NM_001009994.3(RIPPLY2):c.346G>C (p.Asp116His)

Genes: RIPPLY2 (ripply transcriptional repressor 2; plus strand), RIPPLY2-CYB5R4 (RIPPLY2-CYB5R4 readthrough; plus strand). Cytogenetic location: 6q14.2.
Variant type: single nucleotide variant.
Coding change: c.346G>C on transcript NM_001009994.3 (MANE Select); coding-DNA position 346, G replaced by C.
Protein change: p.Asp116His; replaces aspartic acid 116 with histidine.
Molecular consequence: missense variant. On other transcripts: non-coding transcript variant (1).
Genome position (GRCh38, 1-based): chr6:83,857,348, G>C. VCF-style: chr6-83857348-G-C. GRCh37 (hg19) VCF-style: chr6-84567067-G-C.
Other names: short protein forms D116H.
Identifiers: ClinVar variation 1361468 (VCV001361468.8), dbSNP rs2129125835, ClinGen allele CA365049944.

ClinVar aggregate classification (germline): Uncertain significance (1 of 4 stars; one submission).

Submission:

Labcorp Genetics (formerly Invitae), Labcorp
Classification: Uncertain significance. Last evaluated: 2022-11-14. Review status: criteria provided, single submitter. Criteria: Invitae Variant Classification Sherloc (09022015). Collection method: clinical testing. Allele origin: germline.
Comment: In summary, the available evidence is currently insufficient to determine the role of this variant in disease. Therefore, it has been classified as a Variant of Uncertain Significance. Algorithms developed to predict the effect of missense changes on protein structure and function (SIFT, PolyPhen-2, Align-GVGD) all suggest that this variant is likely to be disruptive. ClinVar contains an entry for this variant (Variation ID: 1361468). This variant has not been reported in the literature in individuals affected with RIPPLY2-related conditions. This variant is not present in population databases (gnomAD no frequency). This sequence change replaces aspartic acid, which is acidic and polar, with histidine, which is basic and polar, at codon 116 of the RIPPLY2 protein (p.Asp116His).